The following is an entry in ClinVar:

NM_032776.3(JMJD1C):c.4694C>T (p.Thr1565Ile)

Gene: JMJD1C (jumonji domain containing 1C; minus strand). Cytogenetic location: 10q21.3.
Variant type: single nucleotide variant.
Coding change: c.4694C>T on transcript NM_032776.3 (MANE Select); coding-DNA position 4694, C replaced by T.
Protein change: p.Thr1565Ile; replaces threonine 1565 with isoleucine.
Molecular consequence: missense variant. On other transcripts: non-coding transcript variant (1).
Genome position (GRCh38, 1-based): chr10:63,206,975, G>A on the plus strand (C>T on the coding strand, the complement: JMJD1C is on the minus strand). VCF-style: chr10-63206975-G-A. GRCh37 (hg19) VCF-style: chr10-64966735-G-A.
Other names: c.4148C>T, p.Thr1383Ile (NM_001282948.2, NM_001318154.2); c.3830C>T, p.Thr1277Ile (NM_001318153.2); c.4580C>T, p.Thr1527Ile (NM_001322252.2); c.4037C>T, p.Thr1346Ile (NM_001322254.2, NM_001322258.2); short protein forms T1346I, T1527I, T1277I, T1565I, T1383I.
Identifiers: ClinVar variation 1368011 (VCV001368011.8), dbSNP rs776963001, ClinGen allele CA5518228.
Genomic context (GRCh38, chr10:63,206,975, plus strand): 5'-TTGACAGAACATGGCTTAATAATTTCTGATACAGAATTCCCTGAATTTTCCATTTTATTA[G>A]TATTTTTATCTTCTTCTGAGTGTCTGGTGAGCCAGGCCTTTTTCAGTTTAGTATGGTAGT-3'
Protein context (NP_116165.1, residues 1555-1575): LTRHSEEDKN[Thr1565Ile]NKMENSGNSV

ClinVar aggregate classification (germline): Uncertain significance (1 of 4 stars; one submission).

Conditions:
Early Myoclonic Encephalopathy. Identifiers: MedGen C0270855.

Allele frequency attached by ClinVar (database versions not stated): ExAC 0.00002; gnomAD exomes 0.00002 and 0.00001; gnomAD 0.00003; TOPMed 0.00003.
gnomAD v4.1: 27 of 1,611,266 alleles (0.0017%); highest among the groups gnomAD compares: Middle Eastern, 0.017%; no homozygotes.

Submission:

Labcorp Genetics (formerly Invitae), Labcorp
Classification: Uncertain significance for Early Myoclonic Encephalopathy. Last evaluated: 2025-08-29. Review status: criteria provided, single submitter. Criteria: Invitae Variant Classification Sherloc (09022015). Collection method: clinical testing. Allele origin: germline.
Comment: This sequence change replaces threonine, which is neutral and polar, with isoleucine, which is neutral and non-polar, at codon 1565 of the JMJD1C protein (p.Thr1565Ile). This variant is present in population databases (rs776963001, gnomAD 0.002%). This variant has not been reported in the literature in individuals affected with JMJD1C-related conditions. ClinVar contains an entry for this variant (Variation ID: 1368011). Invitae Evidence Modeling of protein sequence and biophysical properties (such as structural, functional, and spatial information, amino acid conservation, physicochemical variation, residue mobility, and thermodynamic stability) indicates that this missense variant is not expected to disrupt JMJD1C protein function with a negative predictive value of 80%. In summary, the available evidence is currently insufficient to determine the role of this variant in disease. Therefore, it has been classified as a Variant of Uncertain Significance.